The following is an entry in ClinVar:

NM_001042492.3(NF1):c.6481T>G (p.Phe2161Val)

Gene: NF1 (neurofibromin 1; plus strand). Cytogenetic location: 17q11.2.
Variant type: single nucleotide variant.
Coding change: c.6481T>G on transcript NM_001042492.3 (MANE Select); coding-DNA position 6481, T replaced by G.
Protein change: p.Phe2161Val; replaces phenylalanine 2161 with valine.
Molecular consequence: missense variant.
Genome position (GRCh38, 1-based): chr17:31,337,421, T>G. VCF-style: chr17-31337421-T-G. GRCh37 (hg19) VCF-style: chr17-29664439-T-G.
Other names: c.6418T>G, p.Phe2140Val (NM_000267.4); short protein forms F2140V, F2161V.
Identifiers: ClinVar variation 4800792 (VCV004800792.1).
Genomic context (GRCh38, chr17:31,337,421, plus strand): 5'-CTTACAGAAGAGACCAAGCAAGTTTTGAGACTCAGTCTGACAGAGTTCTCATTACCCAAA[T>G]TTTACTTGCTGTTTGGCATTAGCAAAGTCAAGTCAGCTGCTGTCATTGCCTTCCGTTCCA-3'
Protein context (NP_001035957.1, residues 2151-2171): LSLTEFSLPK[Phe2161Val]YLLFGISKVK

ClinVar aggregate classification (germline): Uncertain significance (1 of 4 stars; one submission).

Conditions:
Neurofibromatosis, type 1 (NF1). Also called: VON RECKLINGHAUSEN DISEASE; Neurofibromatosis, type I; NEUROFIBROMATOSIS, TYPE I, SOMATIC; Peripheral type neurofibromatosis. Identifiers: Orphanet 636, MedGen C0027831, MONDO:0018975, OMIM 162200. Disease mechanism: loss of function.

Submission:

Labcorp Genetics (formerly Invitae), Labcorp
Classification: Uncertain significance for Neurofibromatosis, type 1. Last evaluated: 2025-04-23. Review status: criteria provided, single submitter. Criteria: Invitae Variant Classification Sherloc (09022015). Collection method: clinical testing. Allele origin: germline.
Comment: This sequence change replaces phenylalanine, which is neutral and non-polar, with valine, which is neutral and non-polar, at codon 2140 of the NF1 protein (p.Phe2140Val). This variant is not present in population databases (gnomAD no frequency). This variant has not been reported in the literature in individuals affected with NF1-related conditions. Invitae Evidence Modeling of protein sequence and biophysical properties (such as structural, functional, and spatial information, amino acid conservation, physicochemical variation, residue mobility, and thermodynamic stability) indicates that this missense variant is expected to disrupt NF1 protein function with a positive predictive value of 95%. In summary, the available evidence is currently insufficient to determine the role of this variant in disease. Therefore, it has been classified as a Variant of Uncertain Significance.